The following is an entry in ClinVar:

NM_000455.5(STK11):c.1261_1262inv (p.Ser421Leu)

Gene: STK11 (serine/threonine kinase 11; plus strand). Cytogenetic location: 19p13.3.
Variant type: Inversion.
Coding change: c.1261_1262inv on transcript NM_000455.5 (MANE Select).
Protein change: p.Ser421Leu; replaces serine 421 with leucine.
Molecular consequence: missense variant.
Genome position: GRCh38 VCF-style: chr19-1226606-AG-CT. GRCh37 (hg19) VCF-style: chr19-1226605-AG-CT.
Other names: c.1261_1262delinsCT (NM_000455.5); c.1261_1262invAG (NM_000455.4); short protein forms S421L.
Identifiers: ClinVar variation 403774 (VCV000403774.25), ClinGen allele CA10581019.

ClinVar aggregate classification (germline): Conflicting classifications of pathogenicity. Review status: criteria provided, conflicting classifications (1 of 4 stars). 7 submissions from 7 submitters: Uncertain significance (3); Likely benign (3). 1 of the submissions does not count toward it. Last evaluated 2026-03-19.

Conditions:
STK11-related disorder. Also called: STK11-related condition.
Hereditary cancer-predisposing syndrome. Also called: Hereditary Cancer Syndrome; Tumor predisposition; Hereditary neoplastic syndrome; Neoplastic Syndromes, Hereditary. Identifiers: Orphanet 140162, MedGen C0027672, MeSH D009386, MONDO:0015356.
Melanoma, cutaneous malignant, susceptibility to, 1 (CMM1). Also called: FAMILIAL ATYPICAL MOLE-MALIGNANT MELANOMA SYNDROME; MELANOMA, MALIGNANT; B-K MOLE SYNDROME; DYSPLASTIC NEVUS SYNDROME, HEREDITARY. Identifiers: Orphanet 618, MedGen C1835047, MONDO:0007963, OMIM 155600.
Peutz-Jeghers syndrome (PJS). Also called: POLYPOSIS, HAMARTOMATOUS INTESTINAL; POLYPS-AND-SPOTS SYNDROME; Peutz-Jeghers polyposis; Periorificial lentiginosis syndrome. Identifiers: Orphanet 2869, MedGen C0031269, MeSH D010580, MONDO:0008280, OMIM 175200.

Submissions (7):

Ambry Genetics
Classification: Likely benign for Hereditary cancer-predisposing syndrome. Last evaluated: 2026-03-19. Review status: criteria provided, single submitter. Criteria: Ambry Variant Classification Scheme 2023. Collection method: clinical testing. Allele origin: germline.

Labcorp Genetics (formerly Invitae), Labcorp
Classification: Likely benign for Peutz-Jeghers syndrome. Last evaluated: 2026-02-01. Review status: criteria provided, single submitter. Criteria: Invitae Variant Classification Sherloc (09022015). Collection method: clinical testing. Allele origin: germline.

Quest Diagnostics Nichols Institute San Juan Capistrano
Classification: Uncertain significance. Last evaluated: 2025-02-06. Review status: criteria provided, single submitter. Criteria: Quest Diagnostics criteria. Collection method: clinical testing. Allele origin: unknown.
Comment: The STK11 c.1261_1262delinsCT (p.Ser421Leu) variant has not been reported in individuals with STK11-related conditions in the published literature. The frequency of this variant in the general population (Genome Aggregation Database) is uninformative in the assessment of its pathogenicity. Analysis of this variant using bioinformatics tools for the prediction of the effect of amino acid changes on protein structure and function yielded predictions that this variant is benign. Based on the available information, we are unable to determine the clinical significance of this variant.

Baylor Genetics
Classification: Uncertain significance for Melanoma, cutaneous malignant, susceptibility to, 1. Last evaluated: 2024-01-24. Review status: criteria provided, single submitter. Criteria: ACMG Guidelines, 2015. Collection method: clinical testing. Allele origin: unknown.

GeneDx
Classification: Uncertain significance. Last evaluated: 2023-10-22. Review status: criteria provided, single submitter. Criteria: GeneDx Variant Classification Process June 2021. Collection method: clinical testing. Allele origin: germline. Affected: yes.
Comment: Has not been previously published as pathogenic or benign to our knowledge; In silico analysis supports that this variant does not alter protein structure/function; Not observed at significant frequency in large population cohorts (gnomAD); This variant is associated with the following publications: (PMID: 28900777)

Color Diagnostics, LLC DBA Color Health
Classification: Likely benign for Hereditary cancer-predisposing syndrome. Last evaluated: 2016-03-25. Review status: criteria provided, single submitter. Criteria: ACMG Guidelines, 2015. Collection method: clinical testing. Allele origin: germline.

PreventionGenetics, part of Exact Sciences
Classification: Uncertain significance for STK11-related condition. Last evaluated: 2024-06-20. Review status: no assertion criteria provided. Collection method: clinical testing. Allele origin: germline. Not counted in ClinVar's aggregate classification.
Comment: The STK11 c.1261_1262delinsCT variant is predicted to result in an in-frame deletion and insertion. To our knowledge, this variant has not been reported in the literature or in gnomAD, indicating this variant is rare. This variant has been reported in ClinVar as a variant of uncertain significance (referred to as c.1261_1262invAG). At this time, the clinical significance of this variant is uncertain due to the absence of conclusive functional and genetic evidence.